The following is an entry in ClinVar:

ClinVar aggregate classification (germline): Uncertain significance (1 of 4 stars; one submission).

Conditions:
Spastic paraplegia. Identifiers: MedGen C0037772, HP:0001258.

gnomAD v4.1: 1 of 1,614,016 alleles (0.000062%); highest among the groups gnomAD compares: Non-Finnish European, 0.000085%; no homozygotes.

Submission:

Labcorp Genetics (formerly Invitae), Labcorp
Classification: Uncertain significance for Spastic paraplegia. Last evaluated: 2023-10-03. Review status: criteria provided, single submitter. Criteria: Invitae Variant Classification Sherloc (09022015). Collection method: clinical testing. Allele origin: germline.
Comment: This sequence change replaces aspartic acid, which is acidic and polar, with glutamic acid, which is acidic and polar, at codon 363 of the HSPD1 protein (p.Asp363Glu). This variant is not present in population databases (gnomAD no frequency). This variant has not been reported in the literature in individuals affected with HSPD1-related conditions. Advanced modeling of protein sequence and biophysical properties (such as structural, functional, and spatial information, amino acid conservation, physicochemical variation, residue mobility, and thermodynamic stability) performed at Invitae indicates that this missense variant is not expected to disrupt HSPD1 protein function. Algorithms developed to predict the effect of sequence changes on RNA splicing suggest that this variant may create or strengthen a splice site. In summary, the available evidence is currently insufficient to determine the role of this variant in disease. Therefore, it has been classified as a Variant of Uncertain Significance.

NM_002156.5(HSPD1):c.1089C>G (p.Asp363Glu)

Gene: HSPD1 (heat shock protein family D (Hsp60) member 1; minus strand). Cytogenetic location: 2q33.1.
Variant type: single nucleotide variant.
Coding change: c.1089C>G on transcript NM_002156.5 (MANE Select); coding-DNA position 1089, C replaced by G.
Protein change: p.Asp363Glu; replaces aspartic acid 363 with glutamic acid.
Molecular consequence: missense variant.
Genome position (GRCh38, 1-based): chr2:197,489,128, G>C on the plus strand (C>G on the coding strand, the complement: HSPD1 is on the minus strand). VCF-style: chr2-197489128-G-C. GRCh37 (hg19) VCF-style: chr2-198353852-G-C.
Other names: c.1089C>G, p.Asp363Glu (NM_199440.2); short protein forms D363E.
Identifiers: ClinVar variation 2841608 (VCV002841608.3), dbSNP rs772478050, ClinGen allele CA350199617.